The following is an entry in ClinVar:

NM_002103.5(GYS1):c.1063-182G>A

Gene: GYS1 (glycogen synthase 1; minus strand). Cytogenetic location: 19q13.33.
Variant type: single nucleotide variant.
Coding change: c.1063-182G>A on transcript NM_002103.5 (MANE Select); 182 bases into the intron before coding-DNA position 1063, G replaced by A.
Molecular consequence: intron variant.
Genome position (GRCh38, 1-based): chr19:48,981,818, C>T on the plus strand (G>A on the coding strand, the complement: GYS1 is on the minus strand). VCF-style: chr19-48981818-C-T. GRCh37 (hg19) VCF-style: chr19-49485075-C-T.
Other names: c.871-182G>A (NM_001161587.2).
Identifiers: ClinVar variation 670548 (VCV000670548.1), dbSNP rs13306417, ClinGen allele CA14736247.
Genomic context (GRCh38, chr19:48,981,818, plus strand): 5'-ACAGTCCCCACCTGGACTCTGACCTTCTTTCTGGGTCTCTATACTCCCCTCACGGCCCCC[C>T]ACCATACTCAGGGGCTTTCCTACCCCCATCTTCCTGGCTTCTTGGGTTTCTGTTCTGTAA-3'

ClinVar aggregate classification (germline): Benign (1 of 4 stars; one submission).

Allele frequency attached by ClinVar (database versions not stated): TOPMed 0.04821; 1000 Genomes Project 30x 0.06949; 1000 Genomes Project 0.07208.
gnomAD v4.1: 7,140 of 152,230 alleles (4.7%); highest among the groups gnomAD compares: East Asian, 18%; 238 homozygotes.

Submission:

GeneDx
Classification: Benign. Last evaluated: 2018-06-14. Review status: criteria provided, single submitter. Criteria: GeneDx Variant Classification (06012015). Collection method: clinical testing. Allele origin: germline. Affected: yes.
Comment: This variant is considered likely benign or benign based on one or more of the following criteria: it is a conservative change, it occurs at a poorly conserved position in the protein, it is predicted to be benign by multiple in silico algorithms, and/or has population frequency not consistent with disease.